The following is an entry in ClinVar:

ClinVar aggregate classification (germline): Likely pathogenic (1 of 4 stars; one submission).

Conditions:
Congenital lactic acidosis, Saguenay-Lac-Saint-Jean type (MC4DN5). Also called: MITOCHONDRIAL COMPLEX IV DEFICIENCY, NUCLEAR TYPE 5; CYTOCHROME c OXIDASE DEFICIENCY, FRENCH CANADIAN TYPE; COX DEFICIENCY, FRENCH CANADIAN TYPE. Identifiers: Orphanet 70472, MedGen C1857355, MONDO:0009069, OMIM 220111.

Submission:

Myriad Genetics, Inc.
Classification: Likely pathogenic for Congenital lactic acidosis, Saguenay-Lac-Saint-Jean type. Last evaluated: 2022-02-25. Review status: criteria provided, single submitter. Criteria: Myriad Women's Health Autosomal Recessive and X-Linked Classification Criteria (2021). Collection method: clinical testing. Allele origin: unknown.
Comment: NM_133259.3(LRPPRC):c.2444delT(L815Qfs*3) is expected to be pathogenic in the context of Leigh syndrome, French-Canadian type. This variant is predicted to lead to an abnormal or absent protein product due to the creation of a premature termination codon in LRPPRC, a gene where loss-of-function variants are known to be pathogenic. Please note: this variant was assessed in the context of healthy population screening.

NM_133259.4(LRPPRC):c.2444del (p.Leu815fs)

Gene: LRPPRC (leucine rich pentatricopeptide repeat containing; minus strand). Cytogenetic location: 2p21.
Variant type: Deletion.
Coding change: c.2444del on transcript NM_133259.4 (MANE Select); coding-DNA position 2444, one base deleted (T; older notation c.2444delT).
Protein change: p.Leu815fs; shifts the reading frame from leucine 815.
Molecular consequence: frameshift variant.
Genome position (GRCh38, 1-based): chr2:43,943,747, A deleted on the plus strand (T on the coding strand, the reverse complement: LRPPRC is on the minus strand). VCF-style (leftmost placement, unchanged base first): chr2-43943746-TA-T. GRCh37 (hg19) VCF-style: chr2-44170885-TA-T.
Other names: short protein forms L815fs.
Identifiers: ClinVar variation 1724777 (VCV001724777.2), dbSNP rs2466555344, ClinGen allele CA2580066494.